The following is an entry in ClinVar:

NM_001379081.2(FREM1):c.2358A>G (p.Lys786=)

Gene: FREM1 (FRAS1 related extracellular matrix 1; minus strand). Cytogenetic location: 9p22.3.
Variant type: single nucleotide variant.
Coding change: c.2358A>G on transcript NM_001379081.2 (MANE Select); coding-DNA position 2358, A replaced by G.
Protein change: p.Lys786=; no amino-acid change (lysine 786 retained).
Molecular consequence: synonymous variant. On other transcripts: non-coding transcript variant (2).
Genome position (GRCh38, 1-based): chr9:14,819,422, T>C on the plus strand (A>G on the coding strand, the complement: FREM1 is on the minus strand). VCF-style: chr9-14819422-T-C. GRCh37 (hg19) VCF-style: chr9-14819420-T-C.
Other names: c.2358A>G, p.Lys786= (NM_144966.7).
Identifiers: ClinVar variation 366146 (VCV000366146.16), dbSNP rs61745880, ClinGen allele CA4990940.
Genomic context (GRCh38, chr9:14,819,422, plus strand): 5'-ATCTGCATCAGAAATTAGAATGTGCTCTGTGCTGATGATGCTTTGACCTCCCTCAGTCAC[T>C]TTCAGAGGGTTGGTGAACGCCTAGAAAGAAGAAAGGAAGGAAACATTCAAAGCCTTTTTC-3'
Protein context (NP_001366010.1, residues 776-796): QVPEAFTNPL[Lys786=]VTEGGQSIIS

ClinVar aggregate classification (germline): Benign. Review status: criteria provided, multiple submitters, no conflicts (2 of 4 stars). 3 submissions from 3 submitters: Benign (3). Last evaluated 2026-01-20.

Conditions:
Oculotrichoanal syndrome (MOTA). Also called: MARLES SYNDROME; Manitoba Oculotrichoanal (MOTA) Syndrome. Identifiers: Orphanet 2717, MedGen C1855425, MONDO:0009560, OMIM 248450.

Allele frequency attached by ClinVar (database versions not stated): gnomAD exomes 0.00146 and 0.00374; ExAC 0.00507; gnomAD 0.01393 and 0.01483; ESP Exome Variant Server 0.01428; TOPMed 0.01608; 1000 Genomes Project 0.01897; 1000 Genomes Project 30x 0.01952.
gnomAD v4.1: 4,347 of 1,612,114 alleles (0.27%); highest among the groups gnomAD compares: African/African-American, 4.8%; 112 homozygotes.

Submissions (7):

Labcorp Genetics (formerly Invitae), Labcorp
Classification: Benign. Last evaluated: 2026-01-20. Review status: criteria provided, single submitter. Criteria: Invitae Variant Classification Sherloc (09022015). Collection method: clinical testing. Allele origin: germline.

Illumina Laboratory Services, Illumina
Classification: Benign for Oculotrichoanal syndrome. Last evaluated: 2018-01-13. Review status: criteria provided, single submitter. Criteria: ICSL Variant Classification Criteria 13 December 2019. Collection method: clinical testing. Allele origin: germline.
Comment: This variant was observed in the ICSL laboratory as part of a predisposition screen in an ostensibly healthy population. It had not been previously curated by ICSL or reported in the Human Gene Mutation Database (HGMD: prior to June 1st, 2018), and was therefore a candidate for classification through an automated scoring system. Utilizing variant allele frequency, disease prevalence and penetrance estimates, and inheritance mode, an automated score was calculated to assess if this variant is too frequent to cause the disease. Based on the score and internal cut-off values, a variant classified as benign is not then subjected to further curation. The score for this variant resulted in a classification of benign for this disease.

Breakthrough Genomics
Classification: Benign. Review status: criteria provided, single submitter. Criteria: ACMG Guidelines, 2015. Collection method: not provided. Allele origin: germline. Inheritance: Autosomal recessive inheritance. Affected: yes.

Dr. Peter K. Rogan Lab, Western University
No classification provided (evidence only). Condition: Cervical cancer. Review status: no classification provided. Collection method: in vitro. Allele origin: not applicable. Functional consequence: retained intron. Not counted in ClinVar's aggregate classification.

Dr. Peter K. Rogan Lab, Western University
No classification provided (evidence only). Condition: Nonpapillary renal cell carcinoma. Review status: no classification provided. Collection method: in vitro. Allele origin: not applicable. Functional consequence: retained intron. Not counted in ClinVar's aggregate classification.

Dr. Peter K. Rogan Lab, Western University
No classification provided (evidence only). Condition: Thymoma. Review status: no classification provided. Collection method: in vitro. Allele origin: not applicable. Functional consequence: retained intron. Not counted in ClinVar's aggregate classification.

Dr. Peter K. Rogan Lab, Western University
No classification provided (evidence only). Condition: Uterine carcinosarcoma. Review status: no classification provided. Collection method: in vitro. Allele origin: not applicable. Functional consequence: retained intron. Not counted in ClinVar's aggregate classification.